The following is an entry in ClinVar:

ClinVar aggregate classification (germline): Uncertain significance (1 of 4 stars; one submission).

gnomAD v4.1: 11 of 1,582,644 alleles (0.0007%); highest among the groups gnomAD compares: African/African-American, 0.0027%; no homozygotes.

Submission:

Labcorp Genetics (formerly Invitae), Labcorp
Classification: Uncertain significance. Last evaluated: 2025-01-11. Review status: criteria provided, single submitter. Criteria: Invitae Variant Classification Sherloc (09022015). Collection method: clinical testing. Allele origin: germline.
Comment: This sequence change replaces lysine, which is basic and polar, with arginine, which is basic and polar, at codon 969 of the PITPNM3 protein (p.Lys969Arg). This variant is not present in population databases (gnomAD no frequency). This variant has not been reported in the literature in individuals affected with PITPNM3-related conditions. An algorithm developed to predict the effect of missense changes on protein structure and function (PolyPhen-2) suggests that this variant is likely to be tolerated. Algorithms developed to predict the effect of sequence changes on RNA splicing suggest that this variant may create or strengthen a splice site. In summary, the available evidence is currently insufficient to determine the role of this variant in disease. Therefore, it has been classified as a Variant of Uncertain Significance.

NM_031220.4(PITPNM3):c.2906A>G (p.Lys969Arg)

Genes: PITPNM3 (PITPNM family member 3; minus strand), LOC130060086 (ATAC-STARR-seq lymphoblastoid silent region 8076; plus strand). Cytogenetic location: 17p13.2.
Variant type: single nucleotide variant.
Coding change: c.2906A>G on transcript NM_031220.4 (MANE Select); coding-DNA position 2906, A replaced by G.
Protein change: p.Lys969Arg; replaces lysine 969 with arginine.
Molecular consequence: missense variant.
Genome position (GRCh38, 1-based): chr17:6,455,357, T>C on the plus strand (A>G on the coding strand, the complement: PITPNM3 is on the minus strand). VCF-style: chr17-6455357-T-C. GRCh37 (hg19) VCF-style: chr17-6358677-T-C.
Other names: c.2798A>G, p.Lys933Arg (NM_001165966.2); short protein forms K969R, K933R.
Identifiers: ClinVar variation 3691145 (VCV003691145.2).